The following is an entry in ClinVar:

NM_025114.4(CEP290):c.853G>A (p.Val285Met)

Gene: CEP290 (centrosomal protein 290; minus strand). Cytogenetic location: 12q21.32.
Variant type: single nucleotide variant.
Coding change: c.853G>A on transcript NM_025114.4 (MANE Select); coding-DNA position 853, G replaced by A.
Protein change: p.Val285Met; replaces valine 285 with methionine.
Molecular consequence: missense variant.
Genome position (GRCh38, 1-based): chr12:88,129,035, C>T on the plus strand (G>A on the coding strand, the complement: CEP290 is on the minus strand). VCF-style: chr12-88129035-C-T. GRCh37 (hg19) VCF-style: chr12-88522812-C-T.
Other names: c.853G>A (NM_025114.3); short protein forms V285M.
Identifiers: ClinVar variation 2157320 (VCV002157320.8), dbSNP rs555462587, ClinGen allele CA6712683.

ClinVar aggregate classification (germline): Uncertain significance. Review status: criteria provided, multiple submitters, no conflicts (2 of 4 stars). 5 submissions from 5 submitters: Uncertain significance (5). Last evaluated 2026-08-01.

Conditions:
CEP290-related disorder. Also called: CEP290-related disorders; CEP290-related condition. Identifiers: MedGen CN239314.
Bardet-Biedl syndrome 14 (BBS14). Identifiers: Orphanet 110, MedGen C2673874, MONDO:0014442, OMIM 615991.
Joubert syndrome 5 (JBTS5). Identifiers: Orphanet 2318, MedGen C1857780, MONDO:0012432, OMIM 610188.
Leber congenital amaurosis 10 (LCA10). Identifiers: Orphanet 65, MedGen C1857821, MONDO:0012723, OMIM 611755.
Meckel syndrome, type 4 (MKS4). Also called: MECKEL-GRUBER SYNDROME, TYPE 4. Identifiers: Orphanet 564, MedGen C1970161, MONDO:0012626, OMIM 611134.
Senior-Loken syndrome 6 (SLSN6). Identifiers: Orphanet 3156, MedGen C1857779, MONDO:0012433, OMIM 610189.
Joubert syndrome. Also called: JOUBERT-BOLTSHAUSER SYNDROME; Familial aplasia of the vermis. Identifiers: Orphanet 475, MedGen C5979921, MONDO:0018772.
Nephronophthisis. Also called: Juvenile Nephronophthisis. Identifiers: Orphanet 655, MedGen C0687120, MONDO:0019005, HP:0000090.
Meckel-Gruber syndrome. Also called: DYSENCEPHALIA SPLANCHNOCYSTICA; GRUBER SYNDROME; Dysencephalia splachnocystica. Identifiers: Orphanet 564, MedGen C0265215, MONDO:0018921.
Inborn genetic diseases. Identifiers: MedGen C0950123, MeSH D030342.

Allele frequency attached by ClinVar (database versions not stated): ExAC 0.00006; TOPMed 0.00006; gnomAD 0.00017; 1000 Genomes Project 0.00020.
gnomAD v4.1: 12 of 1,403,544 alleles (0.00085%); highest among the groups gnomAD compares: African/African-American, 0.018%; no homozygotes.

Submissions (5):

PreventionGenetics, part of Exact Sciences
Classification: Uncertain significance for CEP290-related condition. Last evaluated: 2026-08-01. Review status: criteria provided, single submitter. Criteria: ACMG Guidelines, 2015. Collection method: clinical testing. Allele origin: germline.
Comment: The CEP290 c.853G>A variant is predicted to result in the amino acid substitution p.Val285Met. To our knowledge, this variant has not been reported in the literature. This variant is reported in 0.029% of alleles in individuals of African descent in gnomAD. However, this region is covered in fewer than 50% of individuals (gnomAD v2.1.1 exomes and genomes) and allele frequency data should be interpreted with caution. At this time, the clinical significance of this variant is uncertain due to the absence of conclusive functional and genetic evidence.

Ambry Genetics
Classification: Uncertain significance for Inborn genetic diseases. Last evaluated: 2024-11-09. Review status: criteria provided, single submitter. Criteria: Ambry Variant Classification Scheme 2023. Collection method: clinical testing. Allele origin: germline.

Labcorp Genetics (formerly Invitae), Labcorp
Classification: Uncertain significance for Joubert syndrome; Meckel-Gruber syndrome; Nephronophthisis. Last evaluated: 2024-10-09. Review status: criteria provided, single submitter. Criteria: Invitae Variant Classification Sherloc (09022015). Collection method: clinical testing. Allele origin: germline.
Comment: This sequence change replaces valine, which is neutral and non-polar, with methionine, which is neutral and non-polar, at codon 285 of the CEP290 protein (p.Val285Met). The frequency data for this variant in the population databases is considered unreliable, as metrics indicate poor data quality at this position in the gnomAD database. This variant has not been reported in the literature in individuals affected with CEP290-related conditions. ClinVar contains an entry for this variant (Variation ID: 2157320). An algorithm developed to predict the effect of missense changes on protein structure and function (PolyPhen-2) suggests that this variant is likely to be disruptive. In summary, the available evidence is currently insufficient to determine the role of this variant in disease. Therefore, it has been classified as a Variant of Uncertain Significance.

Fulgent Genetics
Classification: Uncertain significance for Joubert syndrome 5; Senior-Loken syndrome 6; Meckel syndrome, type 4; Leber congenital amaurosis 10; Bardet-Biedl syndrome 14. Last evaluated: 2024-04-17. Review status: criteria provided, single submitter. Criteria: ACMG Guidelines, 2015. Collection method: clinical testing. Allele origin: germline.

Blueprint Genetics
Classification: Uncertain significance. Last evaluated: 2024-03-19. Review status: criteria provided, single submitter. Criteria: ACMG Guidelines, 2015. Collection method: clinical testing. Allele origin: germline.